The following is an entry in ClinVar:

ClinVar aggregate classification (germline): Pathogenic/Likely pathogenic. Review status: criteria provided, multiple submitters, no conflicts (2 of 4 stars). 6 submissions from 6 submitters: Pathogenic (2); Likely pathogenic (4). Last evaluated 2026-06-17.

Conditions:
PKD1-related disorder. Also called: PKD1-related condition.
Polycystic kidney disease, adult type (PKD1). Also called: Polycystic Kidney Disease 1, Autosomal Dominant; Polycystic kidney disease 1; Polycystic kidney disease 1, severe; Polycystic Kidney, Autosomal Dominant; POLYCYSTIC KIDNEY DISEASE 1 WITH OR WITHOUT POLYCYSTIC LIVER DISEASE; POLYCYSTIC KIDNEY DISEASE, ADULT, TYPE I. Identifiers: MedGen C3149841, MONDO:0008263, OMIM 173900.

Submissions (6):

PreventionGenetics, part of Exact Sciences
Classification: Pathogenic for PKD1-related condition. Last evaluated: 2026-06-17. Review status: criteria provided, single submitter. Criteria: ACMG Guidelines, 2015. Collection method: clinical testing. Allele origin: germline.
Comment: The PKD1 c.6657_6671del15 variant is predicted to result in an in-frame deletion (p.Arg2220_Pro2224del). This in-frame deletion variant has been reported in presumably unrelated individuals with polycystic kidney disease (6868del15 in Rossetti et al. 2001. PubMed ID: 11115377; Kim et al. 2019. PubMed ID: 31740684, Supplemental Table S6A; Seo et al. 2020. PubMed ID: 32901917, Supplementary Table 2). This variant has not been reported in a large population database (gnomAD), indicating this variant is rare. Of note, small in-frame deletions have been commonly reported to be pathogenic for autosomal dominant polycystic kidney disease (ADPKD). This variant is interpreted as pathogenic.

Women's Health and Genetics/Laboratory Corporation of America, LabCorp
Classification: Pathogenic for Polycystic kidney disease, adult type. Last evaluated: 2025-05-28. Review status: criteria provided, single submitter. Criteria: LabCorp Variant Classification Summary - May 2015. Collection method: clinical testing. Allele origin: germline.
Comment: Variant summary: PKD1 c.6657_6671del15 (p.Arg2220_Pro2224del) results in an in-frame deletion that is predicted to remove 5 amino acids from the encoded protein. The variant was absent in 240416 control chromosomes. c.6657_6671del15 has been observed in multiple individuals affected with Polycystic Kidney Disease 1 (examples: Ali_2022, Bleyer_2022, Kim_2019, Rossetti_2001, Seo_2020, Yan_2022). These data indicate that the variant is very likely to be associated with disease. To our knowledge, no experimental evidence demonstrating an impact on protein function has been reported. The following publications have been ascertained in the context of this evaluation (PMID: 36755831, 35325889, 31740684, 11115377, 32901917, 36186434). ClinVar contains an entry for this variant (Variation ID: 1179074). Based on the evidence outlined above, the variant was classified as pathogenic.

Department of Pathology and Laboratory Medicine, Sinai Health System
Classification: Likely pathogenic for Polycystic kidney disease, adult type. Last evaluated: 2024-10-10. Review status: criteria provided, single submitter. Criteria: ACMG Guidelines, 2015. Collection method: clinical testing. Allele origin: germline. Affected: yes.

Fulgent Genetics
Classification: Likely pathogenic for Polycystic kidney disease, adult type. Last evaluated: 2024-01-26. Review status: criteria provided, single submitter. Criteria: ACMG Guidelines, 2015. Collection method: clinical testing. Allele origin: germline.

GeneDx
Classification: Likely pathogenic. Last evaluated: 2022-05-24. Review status: criteria provided, single submitter. Criteria: GeneDx Variant Classification Process June 2021. Collection method: clinical testing. Allele origin: germline. Affected: yes.
Comment: Not observed at significant frequency in large population cohorts (gnomAD); In-frame deletion of 5 amino acids in a non-repeat region; In silico analysis supports a deleterious effect on protein structure/function; This variant is associated with the following publications: (PMID: 31740684, 11115377, 32901917, 28378423)

Juno Genomics, Hangzhou Juno Genomics, Inc
Classification: Likely pathogenic for Polycystic kidney disease, adult type. Review status: criteria provided, single submitter. Criteria: ACMG Guidelines, 2015. Collection method: clinical testing. Allele origin: germline. Affected: yes.
Comment: Absent from controls (or at extremely low frequency if recessive) in Genome Aggregation Database, Exome Sequencing Project, 1000 Genomes Project, or Exome Aggregation Consortium.;Protein length changes due to in-frame deletions/insertions in a non-repeat region or stop-loss variants.;The prevalence of the variant in affected individuals is significantly increased compared to the prevalence in controls.;Patient's phenotype or family history is highly specific for a disease with a single genetic etiology.

Literature cited by the submitters: PubMed 11115377 (cited by Department of Pathology and Laboratory Medicine, Sinai Health System); PubMed 31740684 (cited by Department of Pathology and Laboratory Medicine, Sinai Health System); PubMed 32901917 (cited by Department of Pathology and Laboratory Medicine, Sinai Health System).

NM_001009944.3(PKD1):c.6657_6671del (p.Arg2220_Pro2224del)

Gene: PKD1 (polycystin 1, transient receptor potential channel interacting; minus strand). Cytogenetic location: 16p13.3.
Variant type: Deletion.
Coding change: c.6657_6671del on transcript NM_001009944.3 (MANE Select); coding-DNA positions 6657 to 6671, 15 bases deleted (GCGGCTGGCGCTGCC).
Protein change: p.Arg2220_Pro2224del.
Molecular consequence: inframe deletion.
Genome position (GRCh38, 1-based): chr16:2,108,496-2,108,510, GGCAGCGCCAGCCGC deleted on the plus strand (GCGGCTGGCGCTGCC on the coding strand, the reverse complement: PKD1 is on the minus strand); deleting any 15 consecutive bases within chr16:2,108,496-2,108,516 gives the same sequence; the c. name uses the placement nearest the transcript's 3' end. VCF-style (leftmost placement, unchanged base first): chr16-2108495-AGGCAGCGCCAGCCGC-A. GRCh37 (hg19) VCF-style: chr16-2158496-AGGCAGCGCCAGCCGC-A.
Other names: c.6657_6671del, p.Arg2220_Pro2224del (NM_000296.4); c.6657_6671del15 (NM_001009944.2, NM_001009944.3).
Identifiers: ClinVar variation 1179074 (VCV001179074.13), dbSNP rs2151786683, ClinGen allele CA2499223365.